The following is an entry in ClinVar:

NM_130839.5(UBE3A):c.1773A>G (p.Glu591=)

Genes: SNHG14 (small nucleolar RNA host gene 14; plus strand), UBE3A (ubiquitin protein ligase E3A; minus strand). Cytogenetic location: 15q11.2.
Variant type: single nucleotide variant.
Coding change: c.1773A>G on transcript NM_130839.5 (MANE Select); coding-DNA position 1773, A replaced by G.
Protein change: p.Glu591=; no amino-acid change (glutamic acid 591 retained).
Molecular consequence: synonymous variant. On other transcripts: non-coding transcript variant (1).
Genome position (GRCh38, 1-based): chr15:25,356,877, T>C on the plus strand (A>G on the coding strand, the complement: UBE3A is on the minus strand). VCF-style: chr15-25356877-T-C. GRCh37 (hg19) VCF-style: chr15-25602024-T-C.
Other names: p.Glu571=; c.1782A>G, p.Glu594= (NM_000462.5); c.1773A>G, p.Glu591= (NM_001354505.1, NM_001354538.2, NM_001354545.2); c.1713A>G, p.Glu571= (NM_001354506.2, NM_001354507.2, NM_001354508.2 and 17 more transcripts); c.1596A>G, p.Glu532= (NM_001354546.2); c.522A>G, p.Glu174= (NM_001354550.2); c.462A>G, p.Glu154= (NM_001354551.2); c.1782A>G (NM_000462.3).
Identifiers: ClinVar variation 96258 (VCV000096258.30), dbSNP rs34670662, ClinGen allele CA149402.

ClinVar aggregate classification (germline): Benign. Review status: criteria provided, multiple submitters, no conflicts (2 of 4 stars). 9 submissions from 9 submitters: Benign (9). Last evaluated 2026-02-03.

Conditions:
Inborn genetic diseases. Identifiers: MedGen C0950123, MeSH D030342.
Angelman syndrome (AS). Also called: HAPPY PUPPET SYNDROME. Identifiers: Orphanet 72, MedGen C0162635, MONDO:0007113, OMIM 105830. Disease mechanism: loss of function. Inheritance: AS is caused by disruption of maternally imprinted UBE3A located within the 15q11.2-q13 Angelman syndrome/Prader-Willi syndrome (AS/PWS) region., imprinting disorder.

Allele frequency attached by ClinVar (database versions not stated): gnomAD exomes 0.00232 and 0.00620; ExAC 0.00784; gnomAD 0.02434 and 0.02620; 1000 Genomes Project 0.02536; 1000 Genomes Project 30x 0.02717; TOPMed 0.02734; ESP Exome Variant Server 0.02900.
gnomAD v4.1: 7,225 of 1,613,634 alleles (0.45%); highest among the groups gnomAD compares: African/African-American, 8.6%; 303 homozygotes.

Submissions (9):

Labcorp Genetics (formerly Invitae), Labcorp
Classification: Benign for Angelman syndrome. Last evaluated: 2026-02-03. Review status: criteria provided, single submitter. Criteria: Invitae Variant Classification Sherloc (09022015). Collection method: clinical testing. Allele origin: germline.

Athena Diagnostics
Classification: Benign. Last evaluated: 2025-02-10. Review status: criteria provided, single submitter. Criteria: Athena Diagnostics Criteria. Collection method: clinical testing. Allele origin: unknown.
Comment: The frequency of this variant in the general population is higher than would generally be expected for pathogenic variants in this gene.

Mayo Clinic Laboratories, Mayo Clinic
Classification: Benign. Last evaluated: 2018-04-10. Review status: criteria provided, single submitter. Criteria: ACMG Guidelines, 2015. Collection method: clinical testing. Allele origin: germline. Observed: 14 variant alleles.

Ambry Genetics
Classification: Benign for Inborn genetic diseases. Last evaluated: 2016-04-13. Review status: criteria provided, single submitter. Criteria: Ambry Variant Classification Scheme 2023. Collection method: clinical testing. Allele origin: germline.

GeneDx
Classification: Benign. Last evaluated: 2015-03-03. Review status: criteria provided, single submitter. Criteria: GeneDx Variant Classification Process June 2021. Collection method: clinical testing. Allele origin: germline. Affected: yes.

Genetic Services Laboratory, University of Chicago
Classification: Benign. Last evaluated: 2013-04-30. Review status: criteria provided, single submitter. Criteria: ACMG Guidelines, 2007. Collection method: clinical testing. Allele origin: germline. Inheritance: Autosomal dominant inheritance.

Eurofins Ntd Llc (ga)
Classification: Benign. Last evaluated: 2012-11-01. Review status: criteria provided, single submitter. Criteria: EGL Classification Definitions 2015. Collection method: clinical testing. Allele origin: germline. Observed: 4 variant alleles, 4 heterozygotes.

Breakthrough Genomics
Classification: Benign. Review status: criteria provided, single submitter. Criteria: ACMG Guidelines, 2015. Collection method: not provided. Allele origin: germline. Inheritance: Autosomal dominant inheritance. Affected: yes.

PreventionGenetics, part of Exact Sciences
Classification: Benign. Review status: criteria provided, single submitter. Criteria: ACMG Guidelines, 2015. Collection method: clinical testing. Allele origin: germline.